The following is an entry in ClinVar:

NM_000257.4(MYH7):c.1678T>A (p.Ser560Thr)

Gene: MYH7 (myosin heavy chain 7; minus strand). Cytogenetic location: 14q11.2.
Variant type: single nucleotide variant.
Coding change: c.1678T>A on transcript NM_000257.4 (MANE Select); coding-DNA position 1678, T replaced by A.
Protein change: p.Ser560Thr; replaces serine 560 with threonine.
Molecular consequence: missense variant.
Genome position (GRCh38, 1-based): chr14:23,427,795, A>T on the plus strand (T>A on the coding strand, the complement: MYH7 is on the minus strand). VCF-style: chr14-23427795-A-T. GRCh37 (hg19) VCF-style: chr14-23897004-A-T.
Other names: short protein forms S560T.
Identifiers: ClinVar variation 860823 (VCV000860823.9), dbSNP rs1892754005, ClinGen allele CA389050052.

ClinVar aggregate classification (germline): Uncertain significance. Review status: criteria provided, multiple submitters, no conflicts (2 of 4 stars). 3 submissions from 3 submitters: Uncertain significance (3). Last evaluated 2024-03-24.

Conditions:
Cardiomyopathy (CMYO). Also called: Cardiomyopathies. Identifiers: Orphanet 167848, MedGen C0878544, MONDO:0004994, HP:0001638. Inheritance: Various modes of inheritance.
Hypertrophic cardiomyopathy. Also called: HYPERTROPHIC MYOCARDIOPATHY. Identifiers: Orphanet 217569, MedGen C0007194, MeSH D002312, MONDO:0005045, HP:0001639.

Allele frequency attached by ClinVar (database versions not stated): gnomAD 0.00001.
gnomAD v4.1: 2 of 1,613,962 alleles (0.00012%); highest among the groups gnomAD compares: African/African-American, 0.0013%; no homozygotes.

Submissions (3):

All of Us Research Program, National Institutes of Health
Classification: Uncertain significance for Cardiomyopathy. Last evaluated: 2024-03-24. Review status: criteria provided, single submitter. Criteria: ACMG Guidelines, 2015. Collection method: clinical testing. Allele origin: germline. Inheritance: Autosomal dominant inheritance. Observed: 2 variant alleles, 2 heterozygotes.
Comment: This missense variant replaces serine with threonine at codon 560 of the MYH7 protein. Computational prediction tools indicate that this variant has a neutral impact on protein structure and function. To our knowledge, functional studies have not been reported for this variant. This variant has not been reported in individuals affected with MYH7-related disorders in the literature. This variant has not been identified in the general population by the Genome Aggregation Database (gnomAD). The available evidence is insufficient to determine the role of this variant in disease conclusively. Therefore, this variant is classified as a Variant of Uncertain Significance.

This study involves interpretation of variants in research participants for the purpose of population health screening. Participant phenotype was not available at the time of variant classification. Additional details can be found in publication PMID: 35346344, PMCID: PMC8962531

Color Diagnostics, LLC DBA Color Health
Classification: Uncertain significance for Cardiomyopathy. Last evaluated: 2024-03-03. Review status: criteria provided, single submitter. Criteria: ACMG Guidelines, 2015. Collection method: clinical testing. Allele origin: germline.
Comment: This missense variant replaces serine with threonine at codon 560 of the MYH7 protein. Computational prediction tools indicate that this variant has a neutral impact on protein structure and function. To our knowledge, functional studies have not been reported for this variant. This variant has not been reported in individuals affected with MYH7-related disorders in the literature. This variant has not been identified in the general population by the Genome Aggregation Database (gnomAD). The available evidence is insufficient to determine the role of this variant in disease conclusively. Therefore, this variant is classified as a Variant of Uncertain Significance.

Labcorp Genetics (formerly Invitae), Labcorp
Classification: Uncertain significance for Hypertrophic cardiomyopathy. Last evaluated: 2022-05-18. Review status: criteria provided, single submitter. Criteria: Invitae Variant Classification Sherloc (09022015). Collection method: clinical testing. Allele origin: germline.
Comment: This sequence change replaces serine, which is neutral and polar, with threonine, which is neutral and polar, at codon 560 of the MYH7 protein (p.Ser560Thr). This variant is not present in population databases (gnomAD no frequency). This variant has not been reported in the literature in individuals affected with MYH7-related conditions. ClinVar contains an entry for this variant (Variation ID: 860823). Algorithms developed to predict the effect of missense changes on protein structure and function are either unavailable or do not agree on the potential impact of this missense change (SIFT: "Deleterious"; PolyPhen-2: "Benign"; Align-GVGD: "Class C55"). This variant is found within a region of MYH7 between codons 181 and 937 that contains the majority of the myosin head domain. Missense variants in this region have been shown to be significantly overrepresented in individuals with hypertrophic cardiomyopathy (PMID: 27532257). In summary, the available evidence is currently insufficient to determine the role of this variant in disease. Therefore, it has been classified as a Variant of Uncertain Significance.

Literature cited by the submitters: PubMed 27532257 (cited by Labcorp Genetics (formerly Invitae), Labcorp).